The following is an entry in ClinVar:

NM_003482.4(KMT2D):c.2521T>G (p.Cys841Gly)

Gene: KMT2D (lysine methyltransferase 2D; minus strand). Cytogenetic location: 12q13.12.
Variant type: single nucleotide variant.
Coding change: c.2521T>G on transcript NM_003482.4 (MANE Select); coding-DNA position 2521, T replaced by G.
Protein change: p.Cys841Gly; replaces cysteine 841 with glycine.
Molecular consequence: missense variant.
Genome position (GRCh38, 1-based): chr12:49,051,162, A>C on the plus strand (T>G on the coding strand, the complement: KMT2D is on the minus strand). VCF-style: chr12-49051162-A-C. GRCh37 (hg19) VCF-style: chr12-49444945-A-C.
Other names: c.2521T>G (NM_003482.3); short protein forms C841G.
Identifiers: ClinVar variation 1504161 (VCV001504161.7), dbSNP rs1409393423, ClinGen allele CA384665627.
Genomic context (GRCh38, chr12:49,051,162, plus strand): 5'-ACAGGGGTGGCTTCTCAAGCTCAGGGGACAGATGCGATTCCTCAGGCCGGGGGGACAGGC[A>C]TGGCTCCTCAGACTGGGGGGACAGGTGTGATTCCTCAGGTTGGGGGGACAAGCATGGCTC-3'
Protein context (NP_003473.3, residues 831-851): SHLSPQSEEP[Cys841Gly]LSPRPEESHL

ClinVar aggregate classification (germline): Uncertain significance. Review status: criteria provided, multiple submitters, no conflicts (2 of 4 stars). 2 submissions from 2 submitters: Uncertain significance (2). Last evaluated 2024-02-24.

Conditions:
KMT2D-related disorder. Also called: KMT2D-Related Disorders.
Kabuki syndrome. Also called: Kabuki make-up syndrome; NIIKAWA-KUROKI SYNDROME. Identifiers: Orphanet 2322, MedGen C0796004, MONDO:0016512.

Submissions (2):

Labcorp Genetics (formerly Invitae), Labcorp
Classification: Uncertain significance for Kabuki syndrome. Last evaluated: 2024-02-24. Review status: criteria provided, single submitter. Criteria: Invitae Variant Classification Sherloc (09022015). Collection method: clinical testing. Allele origin: germline.
Comment: This sequence change replaces cysteine, which is neutral and slightly polar, with glycine, which is neutral and non-polar, at codon 841 of the KMT2D protein (p.Cys841Gly). This variant is not present in population databases (gnomAD no frequency). This variant has not been reported in the literature in individuals affected with KMT2D-related conditions. ClinVar contains an entry for this variant (Variation ID: 1504161). Advanced modeling of protein sequence and biophysical properties (such as structural, functional, and spatial information, amino acid conservation, physicochemical variation, residue mobility, and thermodynamic stability) performed at Invitae indicates that this missense variant is not expected to disrupt KMT2D protein function with a negative predictive value of 95%. In summary, the available evidence is currently insufficient to determine the role of this variant in disease. Therefore, it has been classified as a Variant of Uncertain Significance.

PreventionGenetics, part of Exact Sciences
Classification: Uncertain significance for KMT2D-related condition. Last evaluated: 2023-01-12. Review status: criteria provided, single submitter. Criteria: ACMG Guidelines, 2015. Collection method: clinical testing. Allele origin: germline.
Comment: The KMT2D c.2521T>G variant is predicted to result in the amino acid substitution p.Cys841Gly. To our knowledge, this variant has not been reported in the literature or in a large population database, indicating this variant is rare. At this time, the clinical significance of this variant is uncertain due to the absence of conclusive functional and genetic evidence.